The following is an entry in ClinVar:

ClinVar aggregate classification (germline): Uncertain significance. Review status: criteria provided, multiple submitters, no conflicts (2 of 4 stars). 4 submissions from 4 submitters: Uncertain significance (4). Last evaluated 2025-07-28.

Conditions:
Inborn genetic diseases. Identifiers: MedGen C0950123, MeSH D030342.

Allele frequency attached by ClinVar (database versions not stated): TOPMed 0.00002; gnomAD exomes 0.00002 and 0.00004; ExAC 0.00002; gnomAD 0.00007.
gnomAD v4.1: 64 of 1,614,112 alleles (0.004%); highest among the groups gnomAD compares: Middle Eastern, 0.016%; no homozygotes.

Submissions (4):

Labcorp Genetics (formerly Invitae), Labcorp
Classification: Uncertain significance. Last evaluated: 2025-07-28. Review status: criteria provided, single submitter. Criteria: Invitae Variant Classification Sherloc (09022015). Collection method: clinical testing. Allele origin: germline.
Comment: This sequence change replaces valine, which is neutral and non-polar, with methionine, which is neutral and non-polar, at codon 200 of the ABHD12 protein (p.Val200Met). This variant is present in population databases (rs760049905, gnomAD 0.01%). This variant has not been reported in the literature in individuals affected with ABHD12-related conditions. ClinVar contains an entry for this variant (Variation ID: 1039749). Invitae Evidence Modeling of protein sequence and biophysical properties (such as structural, functional, and spatial information, amino acid conservation, physicochemical variation, residue mobility, and thermodynamic stability) indicates that this missense variant is expected to disrupt ABHD12 protein function with a positive predictive value of 80%. In summary, the available evidence is currently insufficient to determine the role of this variant in disease. Therefore, it has been classified as a Variant of Uncertain Significance.

GeneDx
Classification: Uncertain significance. Last evaluated: 2024-10-11. Review status: criteria provided, single submitter. Criteria: GeneDx Variant Classification Process June 2021. Collection method: clinical testing. Allele origin: germline. Affected: yes.
Comment: In silico analysis supports that this missense variant has a deleterious effect on protein structure/function; Has not been previously published as pathogenic or benign to our knowledge

Blueprint Genetics
Classification: Uncertain significance. Last evaluated: 2024-05-16. Review status: criteria provided, single submitter. Criteria: ACMG Guidelines, 2015. Collection method: clinical testing. Allele origin: germline.

Ambry Genetics
Classification: Uncertain significance for Inborn genetic diseases. Last evaluated: 2022-12-13. Review status: criteria provided, single submitter. Criteria: Ambry Variant Classification Scheme 2023. Collection method: clinical testing. Allele origin: germline.

NM_001042472.3(ABHD12):c.598G>A (p.Val200Met)

Gene: ABHD12 (abhydrolase domain containing 12, lysophospholipase; minus strand). Cytogenetic location: 20p11.21.
Variant type: single nucleotide variant.
Coding change: c.598G>A on transcript NM_001042472.3 (MANE Select); coding-DNA position 598, G replaced by A.
Protein change: p.Val200Met; replaces valine 200 with methionine.
Molecular consequence: missense variant.
Genome position (GRCh38, 1-based): chr20:25,314,946, C>T on the plus strand (G>A on the coding strand, the complement: ABHD12 is on the minus strand). VCF-style: chr20-25314946-C-T. GRCh37 (hg19) VCF-style: chr20-25295582-C-T.
Other names: c.598G>A (NM_001042472.2); c.598G>A, p.Val200Met (NM_015600.5); short protein forms V200M.
Identifiers: ClinVar variation 1039749 (VCV001039749.10), dbSNP rs760049905, ClinGen allele CA9796075.